The following is an entry in ClinVar:

NM_001001331.4(ATP2B2):c.3520C>T (p.Arg1174Trp)

Gene: ATP2B2 (ATPase plasma membrane Ca2+ transporting 2; minus strand). Cytogenetic location: 3p25.3.
Variant type: single nucleotide variant.
Coding change: c.3520C>T on transcript NM_001001331.4 (MANE Select); coding-DNA position 3520, C replaced by T.
Protein change: p.Arg1174Trp; replaces arginine 1174 with tryptophan.
Molecular consequence: missense variant. On other transcripts: 3 prime UTR variant (2).
Genome position (GRCh38, 1-based): chr3:10,329,026, G>A on the plus strand (C>T on the coding strand, the complement: ATP2B2 is on the minus strand). VCF-style: chr3-10329026-G-A. GRCh37 (hg19) VCF-style: chr3-10370710-G-A.
Other names: c.*147C>T (NM_001330611.3); c.3385C>T, p.Arg1129Trp (NM_001353564.1, NM_001438036.1, NM_001683.5); c.*74C>T (NM_001363862.1); c.3427C>T, p.Arg1143Trp (NM_001438646.1); short protein forms R1143W, R1129W, R1174W.
Identifiers: ClinVar variation 4775767 (VCV004775767.1).

ClinVar aggregate classification (germline): Uncertain significance (1 of 4 stars; one submission).

gnomAD v4.1: 8 of 1,613,878 alleles (0.0005%); highest among the groups gnomAD compares: Non-Finnish European, 0.00068%; no homozygotes.

Submission:

Labcorp Genetics (formerly Invitae), Labcorp
Classification: Uncertain significance. Last evaluated: 2025-08-26. Review status: criteria provided, single submitter. Criteria: Invitae Variant Classification Sherloc (09022015). Collection method: clinical testing. Allele origin: germline.
Comment: This sequence change replaces arginine, which is basic and polar, with tryptophan, which is neutral and slightly polar, at codon 1129 of the ATP2B2 protein (p.Arg1129Trp). This variant is not present in population databases (gnomAD no frequency). This variant has not been reported in the literature in individuals affected with ATP2B2-related conditions. Invitae Evidence Modeling of protein sequence and biophysical properties (such as structural, functional, and spatial information, amino acid conservation, physicochemical variation, residue mobility, and thermodynamic stability) indicates that this missense variant is not expected to disrupt ATP2B2 protein function with a negative predictive value of 95%. In summary, the available evidence is currently insufficient to determine the role of this variant in disease. Therefore, it has been classified as a Variant of Uncertain Significance.